The following is an entry in ClinVar:

NM_033026.6(PCLO):c.5750T>C (p.Met1917Thr)

Gene: PCLO (piccolo presynaptic cytomatrix protein; minus strand). Cytogenetic location: 7q21.11.
Variant type: single nucleotide variant.
Coding change: c.5750T>C on transcript NM_033026.6 (MANE Select); coding-DNA position 5750, T replaced by C.
Protein change: p.Met1917Thr; replaces methionine 1917 with threonine.
Molecular consequence: missense variant.
Genome position (GRCh38, 1-based): chr7:82,955,203, A>G on the plus strand (T>C on the coding strand, the complement: PCLO is on the minus strand). VCF-style: chr7-82955203-A-G. GRCh37 (hg19) VCF-style: chr7-82584519-A-G.
Other names: c.5750T>C, p.Met1917Thr (NM_014510.3); short protein forms M1917T.
Identifiers: ClinVar variation 2135237 (VCV002135237.4), dbSNP rs1795479555, ClinGen allele CA367923317.

ClinVar aggregate classification (germline): Uncertain significance (1 of 4 stars; one submission).

Allele frequency attached by ClinVar (database versions not stated): TOPMed below 0.00001.

Submission:

Labcorp Genetics (formerly Invitae), Labcorp
Classification: Uncertain significance. Last evaluated: 2022-05-07. Review status: criteria provided, single submitter. Criteria: Invitae Variant Classification Sherloc (09022015). Collection method: clinical testing. Allele origin: germline.
Comment: This variant has not been reported in the literature in individuals affected with PCLO-related conditions. This variant is not present in population databases (gnomAD no frequency). This sequence change replaces methionine, which is neutral and non-polar, with threonine, which is neutral and polar, at codon 1917 of the PCLO protein (p.Met1917Thr). In summary, the available evidence is currently insufficient to determine the role of this variant in disease. Therefore, it has been classified as a Variant of Uncertain Significance. Algorithms developed to predict the effect of missense changes on protein structure and function are either unavailable or do not agree on the potential impact of this missense change (SIFT: "Deleterious"; PolyPhen-2: "Not Available"; Align-GVGD: "Class C0").